The following is an entry in ClinVar:

ClinVar aggregate classification (germline): Uncertain significance (1 of 4 stars; one submission).

Submission:

GeneDx
Classification: Uncertain significance. Last evaluated: 2026-04-07. Review status: criteria provided, single submitter. Criteria: GeneDx Variant Classification Process June 2021. Collection method: clinical testing. Allele origin: germline.
Comment: Not observed at significant frequency in large population cohorts (gnomAD); In silico analysis supports that this missense variant has a deleterious effect on protein structure/function; Has not been previously published as pathogenic or benign to our knowledge

NM_006445.4(PRPF8):c.6324G>C (p.Lys2108Asn)

Gene: PRPF8 (pre-mRNA processing factor 8; minus strand). Cytogenetic location: 17p13.3.
Variant type: single nucleotide variant.
Coding change: c.6324G>C on transcript NM_006445.4 (MANE Select); coding-DNA position 6324, G replaced by C.
Protein change: p.Lys2108Asn; replaces lysine 2108 with asparagine.
Molecular consequence: missense variant.
Genome position (GRCh38, 1-based): chr17:1,653,587, C>G on the plus strand (G>C on the coding strand, the complement: PRPF8 is on the minus strand). VCF-style: chr17-1653587-C-G. GRCh37 (hg19) VCF-style: chr17-1556881-C-G.
Other names: short protein forms K2108N.
Identifiers: ClinVar variation 5018306 (VCV005018306.1).